The following is an entry in ClinVar:

NM_001673.5(ASNS):c.248A>G (p.Lys83Arg)

Genes: ASNS (asparagine synthetase (glutamine-hydrolyzing); minus strand), CZ1P-ASNS (CZ1P-ASNS readthrough; minus strand). Cytogenetic location: 7q21.3.
Variant type: single nucleotide variant.
Coding change: c.248A>G on transcript NM_001673.5 (MANE Select); coding-DNA position 248, A replaced by G.
Protein change: p.Lys83Arg; replaces lysine 83 with arginine.
Molecular consequence: missense variant. On other transcripts: non-coding transcript variant (1), intron variant (2).
Genome position (GRCh38, 1-based): chr7:97,868,909, T>C on the plus strand (A>G on the coding strand, the complement: ASNS is on the minus strand). VCF-style: chr7-97868909-T-C. GRCh37 (hg19) VCF-style: chr7-97498221-T-C.
Other names: c.185A>G, p.Lys62Arg (NM_001178075.2); c.248A>G, p.Lys83Arg (NM_001352496.2, NM_133436.3, NM_183356.4); c.-1+3442A>G (NM_001178076.2); c.-1+3132A>G (NM_001178077.1); short protein forms K62R, K83R.
Identifiers: ClinVar variation 1384607 (VCV001384607.7), dbSNP rs1297119071, ClinGen allele CA368273777.

ClinVar aggregate classification (germline): Uncertain significance (1 of 4 stars; one submission).

Allele frequency attached by ClinVar (database versions not stated): gnomAD exomes below 0.00001 and 0.00001; gnomAD 0.00001; TOPMed 0.00001.
gnomAD v4.1: 3 of 1,613,516 alleles (0.00019%); highest among the groups gnomAD compares: Admixed American, 0.005%; no homozygotes.

Submission:

Labcorp Genetics (formerly Invitae), Labcorp
Classification: Uncertain significance. Last evaluated: 2024-02-20. Review status: criteria provided, single submitter. Criteria: Invitae Variant Classification Sherloc (09022015). Collection method: clinical testing. Allele origin: germline.
Comment: This sequence change replaces lysine, which is basic and polar, with arginine, which is basic and polar, at codon 83 of the ASNS protein (p.Lys83Arg). The frequency data for this variant in the population databases is considered unreliable, as metrics indicate poor data quality at this position in the gnomAD database. This variant has not been reported in the literature in individuals affected with ASNS-related conditions. ClinVar contains an entry for this variant (Variation ID: 1384607). An algorithm developed to predict the effect of missense changes on protein structure and function (PolyPhen-2) suggests that this variant is likely to be tolerated. In summary, the available evidence is currently insufficient to determine the role of this variant in disease. Therefore, it has been classified as a Variant of Uncertain Significance.